The following is an entry in ClinVar:

ClinVar aggregate classification (germline): Uncertain significance. Review status: criteria provided, multiple submitters, no conflicts (2 of 4 stars). 3 submissions from 3 submitters: Uncertain significance (3). Last evaluated 2024-09-01.

Conditions:
Autosomal recessive limb-girdle muscular dystrophy type 2Q (LGMDR17). Also called: MUSCULAR DYSTROPHY, LIMB-GIRDLE, AUTOSOMAL RECESSIVE 17. Identifiers: Orphanet 254361, MedGen C3150989, MONDO:0013390, OMIM 613723.
Epidermolysis bullosa simplex 5C, with pyloric atresia (EBS5C). Also called: PLEC-Related Epidermolysis Bullosa with Pyloric Atresia; Epidermolysis bullosa simplex with pyloric atresia; PLEC1-Related Epidermolysis Bullosa with Pyloric Atresia. Identifiers: Orphanet 158684, MedGen C2677349, MONDO:0012807, OMIM 612138.
Junctional epidermolysis bullosa with pyloric atresia. Also called: Epidermolysis bullosa, junctional, with pyloric atresia and aplasia cutis congenita; Epidermolysis bullosa junctionalis with pyloric atresia; Junctional Epidermolysis Bullosa- Pyloric Atresia Syndrome; EPIDERMOLYSIS BULLOSA, JUNCTIONAL 5B, WITH PYLORIC ATRESIA; APLASIA CUTIS CONGENITA WITH GASTROINTESTINAL ATRESIA; CARMI SYNDROME. Identifiers: Orphanet 79403, MedGen C5676875, MONDO:0009183, OMIM 226730.
Epidermolysis bullosa simplex, Ogna type (EBS5A). Also called: Pidermolysis bullosa simplex 5A, Ogna type; EPIDERMOLYSIS BULLOSA SIMPLEX 5A, OGNA TYPE. Identifiers: Orphanet 79401, MedGen C0432317, MONDO:0007555, OMIM 131950.
Epidermolysis bullosa simplex with nail dystrophy (EBS5D). Identifiers: MedGen C4225309, MONDO:0014661, OMIM 616487.
Epidermolysis bullosa simplex 5B, with muscular dystrophy (EBS5B). Also called: Epidermolysis bullosa simplex with muscular dystrophy; EPIDERMOLYSIS BULLOSA SIMPLEX AND LIMB-GIRDLE MUSCULAR DYSTROPHY. Identifiers: Orphanet 257, MedGen C2931072, MONDO:0009181, OMIM 226670.

Allele frequency attached by ClinVar (database versions not stated): gnomAD 0.00003 and 0.00004; TOPMed 0.00004; gnomAD exomes 0.00001.
gnomAD v4.1: 22 of 1,560,186 alleles (0.0014%); highest among the groups gnomAD compares: Non-Finnish European, 0.0017%; no homozygotes.

Submissions (3):

CeGaT Center for Human Genetics Tuebingen
Classification: Uncertain significance. Last evaluated: 2024-09-01. Review status: criteria provided, single submitter. Criteria: CeGaT Center For Human Genetics Tuebingen Variant Classification Criteria Version 2. Collection method: clinical testing. Allele origin: germline. Affected: yes. Observed: 1 variant allele.
Comment: PLEC: PM2

Labcorp Genetics (formerly Invitae), Labcorp
Classification: Uncertain significance for Autosomal recessive limb-girdle muscular dystrophy type 2Q; Epidermolysis bullosa simplex, Ogna type; Epidermolysis bullosa simplex with nail dystrophy; Epidermolysis bullosa simplex 5C, with pyloric atresia; Epidermolysis bullosa simplex 5B, with muscular dystrophy. Last evaluated: 2023-07-13. Review status: criteria provided, single submitter. Criteria: Invitae Variant Classification Sherloc (09022015). Collection method: clinical testing. Allele origin: germline.
Comment: This sequence change replaces arginine, which is basic and polar, with tryptophan, which is neutral and slightly polar, at codon 1855 of the PLEC protein (p.Arg1855Trp). The frequency data for this variant in the population databases is considered unreliable, as metrics indicate poor data quality at this position in the gnomAD database. This variant has not been reported in the literature in individuals affected with PLEC-related conditions. ClinVar contains an entry for this variant (Variation ID: 1515425). Experimental studies and prediction algorithms are not available or were not evaluated, and the functional significance of this variant is currently unknown. In summary, the available evidence is currently insufficient to determine the role of this variant in disease. Therefore, it has been classified as a Variant of Uncertain Significance.

Fulgent Genetics
Classification: Uncertain significance for Epidermolysis bullosa simplex, Ogna type; Epidermolysis bullosa simplex 5B, with muscular dystrophy; Junctional epidermolysis bullosa with pyloric atresia; Epidermolysis bullosa simplex 5C, with pyloric atresia; Autosomal recessive limb-girdle muscular dystrophy type 2Q; Epidermolysis bullosa simplex with nail dystrophy. Last evaluated: 2021-08-25. Review status: criteria provided, single submitter. Criteria: ACMG Guidelines, 2015. Collection method: clinical testing. Allele origin: unknown.

NM_201384.3(PLEC):c.5482C>T (p.Arg1828Trp)

Gene: PLEC (plectin; minus strand). Cytogenetic location: 8q24.3.
Variant type: single nucleotide variant.
Coding change: c.5482C>T on transcript NM_201384.3 (MANE Select); coding-DNA position 5482, C replaced by T.
Protein change: p.Arg1828Trp; replaces arginine 1828 with tryptophan.
Molecular consequence: missense variant.
Genome position (GRCh38, 1-based): chr8:143,924,447, G>A on the plus strand (C>T on the coding strand, the complement: PLEC is on the minus strand). VCF-style: chr8-143924447-G-A. GRCh37 (hg19) VCF-style: chr8-144998615-G-A.
Other names: c.5563C>T, p.Arg1855Trp (NM_000445.5); c.5440C>T, p.Arg1814Trp (NM_201378.4); c.5416C>T, p.Arg1806Trp (NM_201379.3); c.5893C>T, p.Arg1965Trp (NM_201380.4); c.5386C>T, p.Arg1796Trp (NM_201381.3); c.5482C>T, p.Arg1828Trp (NM_201382.4); c.5494C>T, p.Arg1832Trp (NM_201383.3); short protein forms R1806W, R1814W, R1832W, R1855W, R1796W, R1828W, R1965W.
Identifiers: ClinVar variation 1515425 (VCV001515425.23), dbSNP rs1475632975, ClinGen allele CA372544738.